The following is an entry in ClinVar:

ClinVar aggregate classification (germline): Benign. Review status: criteria provided, multiple submitters, no conflicts (2 of 4 stars). 12 submissions from 12 submitters: Benign (10). 2 of the submissions do not count toward it. Last evaluated 2026-02-04.

Conditions:
Polycystic kidney disease 4 (PKD4). Also called: POLYCYSTIC KIDNEY AND HEPATIC DISEASE 1; POLYCYSTIC KIDNEY DISEASE, INFANTILE, TYPE I; POLYCYSTIC KIDNEY DISEASE 4 WITH OR WITHOUT POLYCYSTIC LIVER DISEASE; PKD3; Autosomal Recessive Polycystic Kidney Disease – PKHD1. Identifiers: MedGen C4540575, MONDO:0033004, OMIM 263200.
Autosomal recessive polycystic kidney disease (ARPKD). Also called: AR polycystic kidney disease. Identifiers: Orphanet 731, Orphanet 8378, MedGen C0085548, MeSH D017044, MONDO:0009889.
Polycystic kidney disease. Also called: Kidney, Polycystic; Polycystic kidney dysplasia. Identifiers: MedGen C0022680, MeSH D007690, MONDO:0020642, HP:0000113.

Allele frequency attached by ClinVar (database versions not stated): 1000 Genomes Project 0.36761; 1000 Genomes Project 30x 0.36977; TOPMed 0.48974; gnomAD exomes 0.49857; gnomAD 0.49949; ESP Exome Variant Server 0.53545.
gnomAD v4.1: 935,655 of 1,611,260 alleles (58%); highest among the groups gnomAD compares: Middle Eastern, 70%; 284,065 homozygotes.

Submissions (12):

Labcorp Genetics (formerly Invitae), Labcorp
Classification: Benign for Autosomal recessive polycystic kidney disease. Last evaluated: 2026-02-04. Review status: criteria provided, single submitter. Criteria: Invitae Variant Classification Sherloc (09022015). Collection method: clinical testing. Allele origin: germline.

Blueprint Genetics
Classification: Benign. Last evaluated: 2024-11-27. Review status: criteria provided, single submitter. Criteria: ACMG Guidelines, 2015. Collection method: clinical testing. Allele origin: germline.

Mayo Clinic Laboratories, Mayo Clinic
Classification: Benign. Last evaluated: 2022-03-09. Review status: criteria provided, single submitter. Criteria: ACMG Guidelines, 2015. Collection method: clinical testing. Allele origin: germline. Observed: 548 variant alleles.

Genome-Nilou Lab
Classification: Benign for Polycystic kidney disease 4. Last evaluated: 2021-09-05. Review status: criteria provided, single submitter. Criteria: ACMG Guidelines, 2015. Collection method: clinical testing. Allele origin: germline. Affected: no.

Pars Genome Lab
Classification: Benign for Polycystic kidney disease 4. Last evaluated: 2021-06-19. Review status: criteria provided, single submitter. Criteria: ACMG Guidelines, 2015. Collection method: clinical testing. Allele origin: germline. Affected: no.

GeneDx
Classification: Benign. Last evaluated: 2018-07-09. Review status: criteria provided, single submitter. Criteria: GeneDx Variant Classification Process June 2021. Collection method: clinical testing. Allele origin: germline. Affected: yes.

Illumina Laboratory Services, Illumina
Classification: Benign for Polycystic kidney disease 4. Last evaluated: 2018-01-12. Review status: criteria provided, single submitter. Criteria: ICSL Variant Classification Criteria 13 December 2019. Collection method: clinical testing. Allele origin: germline.
Comment: This variant was observed in the ICSL laboratory as part of a predisposition screen in an ostensibly healthy population. It had not been previously curated by ICSL or reported in the Human Gene Mutation Database (HGMD: prior to June 1st, 2018), and was therefore a candidate for classification through an automated scoring system. Utilizing variant allele frequency, disease prevalence and penetrance estimates, and inheritance mode, an automated score was calculated to assess if this variant is too frequent to cause the disease. Based on the score and internal cut-off values, a variant classified as benign is not then subjected to further curation. The score for this variant resulted in a classification of benign for this disease.

Women's Health and Genetics/Laboratory Corporation of America, LabCorp
Classification: Benign. Last evaluated: 2016-07-11. Review status: criteria provided, single submitter. Criteria: LabCorp Variant Classification Summary - May 2015. Collection method: clinical testing. Allele origin: germline.
Comment: Variant summary: The c.7587G>A (p.Gly2529=) in PKHD1 gene is a synonymous change that involves a non-conserved nucleotide with 4/5 programs in Alamut predict that this variant does not affect normal splicing, however no functional studies supporting this notion were published at the time of evaluation. The variant is present in the control population dataset of ExAC at frequency of 0.506 (61140/120660 chrs tested) including numerous homozygous occurrences. This frequency greatly exceeds the maximal expected frequency of a pathogenic allele (0.007) in this gene. The variant of interest was cited as Benign by a reputable clinical laboratory. It is widely accepted as a rare polymorphism in the field. Taking together, the variant was classified as Benign.

Eurofins Ntd Llc (ga)
Classification: Benign. Last evaluated: 2015-10-27. Review status: criteria provided, single submitter. Criteria: EGL Classification Definitions 2015. Collection method: clinical testing. Allele origin: germline. Observed: 138 variant alleles, 83 heterozygotes, 55 homozygotes.

PreventionGenetics, part of Exact Sciences
Classification: Benign. Review status: criteria provided, single submitter. Criteria: ACMG Guidelines, 2015. Collection method: clinical testing. Allele origin: germline.

Natera, Inc.
Classification: Benign for Autosomal recessive polycystic kidney disease. Last evaluated: 2017-05-11. Review status: no assertion criteria provided. Collection method: clinical testing. Allele origin: germline. Not counted in ClinVar's aggregate classification.

Department of Pathology and Laboratory Medicine, Sinai Health System
Classification: Benign for Polycystic Kidney disease. Review status: no assertion criteria provided. Collection method: clinical testing. Allele origin: unknown. Affected: yes. Study: The Canadian Open Genetics Repository (COGR). Not counted in ClinVar's aggregate classification.
Comment: The c.7587G>A, p.Gly2529Gly variant was identified in 50.67% of 61140 control alleles in the Exome Aggregation Consortium (March 14, 2016). According to ACMG guidelines for variant classification based on allele frequency, category BA1, this variant is considered benign and has not been further reviewed (Richards 2015).

NM_138694.4(PKHD1):c.7587G>A (p.Gly2529=)

Gene: PKHD1 (PKHD1 ciliary IPT domain containing fibrocystin/polyductin; minus strand). Cytogenetic location: 6p12.2.
Variant type: single nucleotide variant.
Coding change: c.7587G>A on transcript NM_138694.4 (MANE Select); coding-DNA position 7587, G replaced by A.
Protein change: p.Gly2529=; no amino-acid change (glycine 2529 retained).
Molecular consequence: synonymous variant.
Genome position (GRCh38, 1-based): chr6:51,868,009, C>T on the plus strand (G>A on the coding strand, the complement: PKHD1 is on the minus strand). VCF-style: chr6-51868009-C-T. GRCh37 (hg19) VCF-style: chr6-51732807-C-T.
Other names: p.Gly2529=; c.7587G>A, p.Gly2529= (NM_170724.3).
Identifiers: ClinVar variation 96421 (VCV000096421.33), dbSNP rs12210295, ClinGen allele CA149523.